The following is an entry in ClinVar:

ClinVar aggregate classification (germline): Conflicting classifications of pathogenicity. Review status: criteria provided, conflicting classifications (1 of 4 stars). 13 submissions from 13 submitters: Uncertain significance (5); Benign (1); Likely benign (5). 2 of the submissions do not count toward it. Last evaluated 2025-12-15.

Conditions:
Hereditary cancer-predisposing syndrome. Also called: Hereditary Cancer Syndrome; Hereditary neoplastic syndrome; Neoplastic Syndromes, Hereditary; Tumor predisposition. Identifiers: Orphanet 140162, MedGen C0027672, MeSH D009386, MONDO:0015356.
Hereditary breast ovarian cancer syndrome. Also called: BRCA1- and BRCA2-Associated Hereditary Breast and Ovarian Cancer; Hereditary breast and ovarian cancer syndrome; Hereditary breast and ovarian cancer syndrome (HBOC); Breast and ovarian cancer; Hereditary breast and/or ovarian cancer syndrome; Hereditary breast and ovarian cancer. Identifiers: Orphanet 145, MedGen C0677776, MeSH D061325, MONDO:0003582. Disease mechanism: loss of function.
BRCA1-related disorder. Also called: BRCA1-related condition.
Breast-ovarian cancer, familial, susceptibility to, 1 (BROVCA1). Also called: BRCA1 Hereditary Breast and Ovarian Cancer; OVARIAN CANCER, SUSCEPTIBILITY TO. Identifiers: Orphanet 145, MedGen C2676676, MONDO:0011450, OMIM 604370. Disease mechanism: loss of function.

Allele frequency attached by ClinVar (database versions not stated): gnomAD 0.00001; TOPMed 0.00001; ExAC 0.00002.
gnomAD v4.1: 14 of 1,614,044 alleles (0.00087%); highest among the groups gnomAD compares: African/African-American, 0.004%; no homozygotes.

Submissions (13):

Labcorp Genetics (formerly Invitae), Labcorp
Classification: Likely benign for Hereditary breast ovarian cancer syndrome. Last evaluated: 2025-12-15. Review status: criteria provided, single submitter. Criteria: Invitae Variant Classification Sherloc (09022015). Collection method: clinical testing. Allele origin: germline.

Molecular Pathology, Peter Maccallum Cancer Centre
Classification: Benign for Breast-ovarian cancer, familial, susceptibility to, 1. Last evaluated: 2025-06-12. Review status: criteria provided, single submitter. Criteria: ACMG Guidelines, 2015. Collection method: clinical testing. Allele origin: germline. Inheritance: Autosomal dominant inheritance.

Women's Health and Genetics/Laboratory Corporation of America, LabCorp
Classification: Likely benign. Last evaluated: 2025-02-12. Review status: criteria provided, single submitter. Criteria: LabCorp Variant Classification Summary - May 2015. Collection method: clinical testing. Allele origin: germline.
Comment: Variant summary: BRCA1 c.964G>C (p.Ala322Pro) results in a non-conservative amino acid change in the encoded protein sequence. Three of five in-silico tools predict a damaging effect of the variant on protein function. The variant allele was found at a frequency of 8e-06 in 251394 control chromosomes. The available data on variant occurrences in the general population are insufficient to allow any conclusion about variant significance. c.964G>C has been reported in the literature in individuals affected with Hereditary Breast And Ovarian Cancer Syndrome (Judkins_2005, Mu_2016, Abulkhair_2018). These reports do not provide unequivocal conclusions about association of the variant with Hereditary Breast And Ovarian Cancer Syndrome. The variant was reported to have a non-significant decrease in HDR activity compared to wild-type (Lu_2015). HDR assays qualify as a recognized gold standard on the basis of updated guidance provided by the ClinGen Sequence Variant Interpretation (SVI) working group. This working group has recommended strong functional evidence (ACMG BS3) as sufficient weightage for categorization as likely benign (Tavtigian_2018). The following publications have been ascertained in the context of this evaluation (PMID: 16267036, 16518693, 15385441, 15235020, 26689913, 27720647, 30199306). ClinVar contains an entry for this variant (Variation ID: 55767). Based on the evidence outlined above, the variant was classified as likely benign.

Quest Diagnostics Nichols Institute San Juan Capistrano
Classification: Likely benign. Last evaluated: 2025-02-03. Review status: criteria provided, single submitter. Criteria: Quest Diagnostics criteria. Collection method: clinical testing. Allele origin: unknown.

PreventionGenetics, part of Exact Sciences
Classification: Uncertain significance for BRCA1-related condition. Last evaluated: 2025-01-20. Review status: criteria provided, single submitter. Criteria: ACMG Guidelines, 2015. Collection method: clinical testing. Allele origin: germline.
Comment: The BRCA1 c.964G>C variant is predicted to result in the amino acid substitution p.Ala322Pro. This variant was reported as an uncertain variant in individuals with breast cancer (Abulkhair et al. 2018. PubMed ID: 30199306) and kidney renal clear cell carcinoma (Supplemental Table S2B, Huang et al. 2018. PubMed ID: 29625052). This variant was reported to have a non-significant decrease in homology-directed repair (HDR) activity compared to wild-type (Lu et al. 2015. PubMed ID: 26689913). This variant is reported in 0.0018% of alleles in individuals of European (Non-Finnish) descent in gnomAD and has conflicting interpretations regarding its pathogenicity in ClinVar, ranging from likely benign to uncertain. Although we suspect that this variant may be benign, at this time, the clinical significance of this variant is uncertain due to the absence of conclusive functional and genetic evidence.

Ambry Genetics
Classification: Uncertain significance for Hereditary cancer-predisposing syndrome. Last evaluated: 2024-08-28. Review status: criteria provided, single submitter. Criteria: Ambry Variant Classification Scheme 2023. Collection method: clinical testing. Allele origin: germline.
Comment: The p.A322P variant (also known as c.964G>C), located in coding exon 9 of the BRCA1 gene, results from a G to C substitution at nucleotide position 964. The alanine at codon 322 is replaced by proline, an amino acid with highly similar properties. This alteration was identified in a patient with renal cell carcinoma, and a functional comparison showed that this alteration displayed 82% homology-directed repair (HDR) function in comparison to wild type BRCA1 (Lu C et al. Nat Commun 2015; 6:10086). In a study of whole-exome sequencing in patients with features of Cowden syndrome (CS) or Bannayan-Riley-Ruvalcaba syndrome (BRRS) and negative PTEN testing, this alteration was identified in 0/87 patients with CS or BRRS and 1/3476 patients from The Cancer Genome Atlas (TCGA) (Yehia L et al. PLoS Genet, 2018 04;14:e1007352). This amino acid position is not well conserved in available vertebrate species. In addition, this alteration is predicted to be deleterious by in silico analysis. Based on the available evidence, the clinical significance of this variant remains unclear.

Revvity Omics, Revvity
Classification: Uncertain significance. Last evaluated: 2023-09-07. Review status: criteria provided, single submitter. Criteria: ACMG Guidelines, 2015. Collection method: clinical testing. Allele origin: germline.

GeneDx
Classification: Uncertain significance. Last evaluated: 2023-05-05. Review status: criteria provided, single submitter. Criteria: GeneDx Variant Classification Process June 2021. Collection method: clinical testing. Allele origin: germline. Affected: yes.
Comment: Published functional studies are inconclusive: partial loss of homology-directed repair activity (Lu et al., 2015); Not observed at a significant frequency in large population cohorts (gnomAD); In silico analysis supports that this missense variant has a deleterious effect on protein structure/function; Observed in individuals with breast cancer and renal cell carcinoma (Lu et al., 2015; Abulkhair et al., 2018; Huang et al., 2018); Also known as 1083G>C; This variant is associated with the following publications: (PMID: 15385441, 16518693, 15235020, 16267036, 30199306, 31911673, 31853058, 32377563, 20215511, 15343273, 9926942, 9582019, 11521194, 29884841, 33087888, 31131967, 26689913, 29684080, 29625052, 27720647)

University of Washington Department of Laboratory Medicine, University of Washington
Classification: Likely benign for Hereditary cancer-predisposing syndrome. Last evaluated: 2023-03-23. Review status: criteria provided, single submitter. Criteria: Dines et al. (Genet Med. 2020). Collection method: curation. Allele origin: germline.
Comment: Missense variant in a coldspot region where missense variants are very unlikely to be pathogenic (PMID:31911673).

BRCA1 coldspot (exon 11 using historical exon numbering). Reclassification based on statistical prior probability

Sema4
Classification: Uncertain significance for Hereditary cancer-predisposing syndrome. Last evaluated: 2021-12-08. Review status: criteria provided, single submitter. Criteria: Sema4 Curation Guidelines. Collection method: curation. Allele origin: germline.
Comment: The BRCA1 c.964G>C (p.A322P) variant has been reported in heterozygosity in at least one individual with breast cancer and one individual with kidney cancer (PMID: 30199306, 29625052). A homologous-directed repair assay demonstrated that the variant did not show a significant decrease in function at 82.6% of the wild type (PMID: 26689913). It was observed in 2/113692 chromosomes of the Non-Finnish European subpopulation in the large and broad cohorts of the Genome Aggregation Database (PMID: 32461654). The variant has been reported in ClinVar (Variation ID 55767). In silico predictions of the variant's effect on protein function are inconclusive. The evidence is insufficient to meet ACMG/AMP criteria for classifying the variant as benign or pathogenic. Thus, the clinical significance of this variant is currently uncertain.

Color Diagnostics, LLC DBA Color Health
Classification: Likely benign for Hereditary cancer-predisposing syndrome. Last evaluated: 2017-05-18. Review status: criteria provided, single submitter. Criteria: ACMG Guidelines, 2015. Collection method: clinical testing. Allele origin: germline.

Sharing Clinical Reports Project (SCRP)
Classification: Benign for Breast-ovarian cancer, familial 1. Last evaluated: 2012-05-01. Review status: no assertion criteria provided. Collection method: clinical testing. Allele origin: germline. Not counted in ClinVar's aggregate classification.

Breast Cancer Information Core (BIC) (BRCA1)
Classification: Uncertain significance for Breast-ovarian cancer, familial 1. Last evaluated: 2002-05-29. Review status: no assertion criteria provided. Collection method: clinical testing. Allele origin: germline. Affected: yes. Observed: 2 variant alleles. Not counted in ClinVar's aggregate classification.

Literature cited by the submitters: PubMed 16267036 (cited by Women's Health and Genetics/Laboratory Corporation of America, LabCorp and Quest Diagnostics Nichols Institute San Juan Capistrano); PubMed 16518693 (cited by Women's Health and Genetics/Laboratory Corporation of America, LabCorp and Quest Diagnostics Nichols Institute San Juan Capistrano); PubMed 15385441 (cited by Women's Health and Genetics/Laboratory Corporation of America, LabCorp); PubMed 15235020 (cited by Women's Health and Genetics/Laboratory Corporation of America, LabCorp and Quest Diagnostics Nichols Institute San Juan Capistrano); PubMed 26689913 (cited by 3 submitters); PubMed 27720647 (cited by Women's Health and Genetics/Laboratory Corporation of America, LabCorp); PubMed 30199306 (cited by 3 submitters); PubMed 29684080 (cited by Quest Diagnostics Nichols Institute San Juan Capistrano and Ambry Genetics); PubMed 33471991 (cited by Quest Diagnostics Nichols Institute San Juan Capistrano); PubMed 33087888 (cited by Quest Diagnostics Nichols Institute San Juan Capistrano); PubMed 31131967 (cited by Quest Diagnostics Nichols Institute San Juan Capistrano); PubMed 31853058 (cited by Quest Diagnostics Nichols Institute San Juan Capistrano); PubMed 31911673 (cited by Quest Diagnostics Nichols Institute San Juan Capistrano); PubMed 29625052 (cited by Sema4).

NM_007294.4(BRCA1):c.964G>C (p.Ala322Pro)

Gene: BRCA1 (BRCA1 DNA repair associated; minus strand). Cytogenetic location: 17q21.31.
Variant type: single nucleotide variant.
Coding change: c.964G>C on transcript NM_007294.4 (MANE Select); coding-DNA position 964, G replaced by C.
Protein change: p.Ala322Pro; replaces alanine 322 with proline.
Molecular consequence: missense variant. On other transcripts: intron variant (137).
Genome position (GRCh38, 1-based): chr17:43,094,567, C>G on the plus strand (G>C on the coding strand, the complement: BRCA1 is on the minus strand). VCF-style: chr17-43094567-C-G. GRCh37 (hg19) VCF-style: chr17-41246584-C-G.
Other names: c.751G>C, p.Ala251Pro (NM_001407571.1, NM_001407915.1, NM_001407853.1 and 9 more transcripts); c.964G>C, p.Ala322Pro (NM_001407581.1, NM_001407582.1, NM_001407583.1 and 30 more transcripts); c.961G>C, p.Ala321Pro (NM_001407587.1, NM_001407590.1, NM_001407591.1 and 22 more transcripts); c.838G>C, p.Ala280Pro (NM_001407649.1, NM_001407670.1, NM_001407671.1 and 11 more transcripts); c.886G>C, p.Ala296Pro (NM_001407653.1, NM_001407654.1, NM_001407655.1 and 4 more transcripts); c.883G>C, p.Ala295Pro (NM_001407659.1, NM_001407660.1, NM_001407661.1 and 1 more transcripts); c.841G>C, p.Ala281Pro (NM_001407674.1, NM_001407675.1, NM_001407676.1 and 19 more transcripts); c.823G>C, p.Ala275Pro (NM_001407692.1, NM_001407694.1, NM_001407695.1 and 29 more transcripts); and 40 more; short protein forms A322P, A275P, A154P, A255P, A26P, A274P, A321P, A210P.
Identifiers: ClinVar variation 55767 (VCV000055767.36), dbSNP rs80357252, ClinGen allele CA003989.